The following is an entry in ClinVar:

ClinVar aggregate classification (germline): Pathogenic/Likely pathogenic. Review status: criteria provided, multiple submitters, no conflicts (2 of 4 stars). 10 submissions from 10 submitters: Pathogenic (8); Likely pathogenic (2). Last evaluated 2026-01-22.

Conditions:
Congenital myotonia, autosomal recessive form. Also called: myotonia congenita, autosomal recessive; BECKER DISEASE; Becker Generalized Myotonia. Identifiers: Orphanet 614, MedGen C0751360, MONDO:0009715, OMIM 255700.
Congenital myotonia, autosomal dominant form (THD). Also called: THOMSEN DISEASE; Myotonia congenita autosomal dominant. Identifiers: Orphanet 614, MedGen C2936781, MONDO:0008055, OMIM 160800.
CLCN1-related disorder. Also called: CLCN1-related condition.

Allele frequency attached by ClinVar (database versions not stated): ExAC 0.00001; gnomAD 0.00001; gnomAD exomes 0.00001; TOPMed 0.00002.
gnomAD v4.1: 15 of 1,611,698 alleles (0.00093%); highest among the groups gnomAD compares: Non-Finnish European, 0.0011%; no homozygotes.

Submissions (10):

Labcorp Genetics (formerly Invitae), Labcorp
Classification: Pathogenic for Congenital myotonia, autosomal recessive form; Congenital myotonia, autosomal dominant form. Last evaluated: 2026-01-22. Review status: criteria provided, single submitter. Criteria: Invitae Variant Classification Sherloc (09022015). Collection method: clinical testing. Allele origin: germline.
Comment: This sequence change replaces alanine, which is neutral and non-polar, with glutamic acid, which is acidic and polar, at codon 493 of the CLCN1 protein (p.Ala493Glu). This variant is present in population databases (rs770900468, gnomAD 0.002%). This missense change has been observed in individual(s) with autosomal recessive myotonia congenita (PMID: 23113340, 24349310). In at least one individual the data is consistent with being in trans (on the opposite chromosome) from a pathogenic variant. It has also been observed to segregate with disease in related individuals. ClinVar contains an entry for this variant (Variation ID: 802379). Invitae Evidence Modeling of protein sequence and biophysical properties (such as structural, functional, and spatial information, amino acid conservation, physicochemical variation, residue mobility, and thermodynamic stability) indicates that this missense variant is expected to disrupt CLCN1 protein function with a positive predictive value of 80%. Experimental studies have shown that this missense change affects CLCN1 function (PMID: 29424939). For these reasons, this variant has been classified as Pathogenic.

Laboratory of Genetics, Children's Clinical University Hospital Latvia
Classification: Pathogenic. Last evaluated: 2025-02-16. Review status: criteria provided, single submitter. Criteria: ACMG Guidelines, 2015. Collection method: clinical testing. Allele origin: germline. Affected: yes.

Fulgent Genetics
Classification: Pathogenic for Congenital myotonia, autosomal dominant form; Congenital myotonia, autosomal recessive form. Last evaluated: 2024-04-09. Review status: criteria provided, single submitter. Criteria: ACMG Guidelines, 2015. Collection method: clinical testing. Allele origin: germline.

Revvity Omics, Revvity
Classification: Likely pathogenic. Last evaluated: 2024-03-15. Review status: criteria provided, single submitter. Criteria: ACMG Guidelines, 2015. Collection method: clinical testing. Allele origin: germline.

Athena Diagnostics
Classification: Pathogenic. Last evaluated: 2022-12-28. Review status: criteria provided, single submitter. Criteria: Athena Diagnostics Criteria. Collection method: clinical testing. Allele origin: unknown.
Comment: The frequency of this variant in the general population is consistent with pathogenicity. In multiple individuals, this variant has been seen with a single recessive pathogenic variant in the same gene, suggesting it is associated with recessive myotonia congenita (PMID: 33263785, 24349310, 23113340), however, it has also been reported in a family with possible autosomal dominant myotonia congenita (PMID: 29424939). Assessment of experimental evidence suggests this variant results in abnormal protein function. The variant decreases CLCN1 membrane expression and channel current (PMID:29424939, 34529042).

Greenwood Genetic Center Diagnostic Laboratories, Greenwood Genetic Center
Classification: Pathogenic for Congenital myotonia, autosomal recessive form. Last evaluated: 2022-02-23. Review status: criteria provided, single submitter. Criteria: ACMG Guidelines, 2015. Collection method: clinical testing. Allele origin: germline. Affected: yes.
Comment: PS3, PM1, PM2, PM3_Supporting, PP3

Department of Human Genetics, Hannover Medical School
Classification: Likely pathogenic for Congenital myotonia, autosomal recessive form. Last evaluated: 2022-01-31. Review status: criteria provided, single submitter. Criteria: ACMG Guidelines, 2015. Collection method: clinical testing. Allele origin: germline. Inheritance: Autosomal recessive inheritance. Affected: yes.

GeneDx
Classification: Pathogenic. Last evaluated: 2022-01-20. Review status: criteria provided, single submitter. Criteria: GeneDx Variant Classification Process June 2021. Collection method: clinical testing. Allele origin: germline. Affected: yes.
Comment: Published functional studies demonstrate that the variant results in loss of protein function (Gaitan-Penas et al., 2018); In silico analysis supports that this missense variant has a deleterious effect on protein structure/function; Not observed at significant frequency in large population cohorts (gnomAD); This variant is associated with the following publications: (PMID: 23113340, 29424939, 24349310, 32010054, 29606556, 28039888, 28427807, 29050397, 33263785, 34529042, 32117034)

Blueprint Genetics
Classification: Pathogenic for CLCN1-related disorders. Last evaluated: 2021-12-02. Review status: criteria provided, single submitter. Criteria: ACMG Guidelines, 2015. Collection method: clinical testing. Allele origin: germline. Affected: yes. Observed: 4 variant alleles.

Mendelics
Classification: Pathogenic for Congenital myotonia, autosomal recessive form. Last evaluated: 2019-05-28. Review status: criteria provided, single submitter. Criteria: Mendelics Assertion Criteria 2017. Collection method: clinical testing. Allele origin: unknown.

Literature cited by the submitters: PubMed 23113340 (cited by Labcorp Genetics (formerly Invitae), Labcorp and Athena Diagnostics); PubMed 24349310 (cited by Labcorp Genetics (formerly Invitae), Labcorp and Athena Diagnostics); PubMed 29424939 (cited by Labcorp Genetics (formerly Invitae), Labcorp and Athena Diagnostics); PubMed 33263785 (cited by Athena Diagnostics); PubMed 29606556 (cited by Athena Diagnostics); PubMed 29050397 (cited by Athena Diagnostics); PubMed 34529042 (cited by Athena Diagnostics).

NM_000083.3(CLCN1):c.1478C>A (p.Ala493Glu)

Gene: CLCN1 (chloride voltage-gated channel 1; plus strand). Cytogenetic location: 7q34.
Variant type: single nucleotide variant.
Coding change: c.1478C>A on transcript NM_000083.3 (MANE Select); coding-DNA position 1478, C replaced by A.
Protein change: p.Ala493Glu; replaces alanine 493 with glutamic acid.
Molecular consequence: missense variant. On other transcripts: non-coding transcript variant (1).
Genome position (GRCh38, 1-based): chr7:143,339,517, C>A. VCF-style: chr7-143339517-C-A. GRCh37 (hg19) VCF-style: chr7-143036610-C-A.
Other names: short protein forms A493E.
Identifiers: ClinVar variation 802379 (VCV000802379.20), dbSNP rs770900468, ClinGen allele CA4537403.